The following is an entry in ClinVar:

NM_000535.7(PMS2):c.2541del (p.Arg847fs)

Gene: PMS2 (PMS1 homolog 2, mismatch repair system component; minus strand). Cytogenetic location: 7p22.1.
Variant type: Deletion.
Coding change: c.2541del on transcript NM_000535.7 (MANE Select); coding-DNA position 2541, one base deleted (G; older notation c.2541delG).
Protein change: p.Arg847fs; shifts the reading frame from arginine 847.
Molecular consequence: frameshift variant. On other transcripts: non-coding transcript variant (1).
Genome position (GRCh38, 1-based): chr7:5,973,447, C deleted on the plus strand (G on the coding strand, the reverse complement: PMS2 is on the minus strand); the first of 2 consecutive C bases (chr7:5,973,447-5,973,448); deleting either gives the same sequence. VCF-style (leftmost placement, unchanged base first): chr7-5973446-GC-G. GRCh37 (hg19) VCF-style: chr7-6013077-GC-G.
Other names: c.2135delG, p.Arg712Serfs (NM_001018040.1, NM_001406889.1, NM_001406890.1 and 9 more transcripts); c.2136del, p.Arg712fs (NM_001322003.2, NM_001322004.2, NM_001322005.2); c.2385del, p.Arg795fs (NM_001322006.2); c.2223del, p.Arg741fs (NM_001322007.2, NM_001322008.2); c.2169del, p.Arg723fs (NM_001322009.2); c.1980del, p.Arg660fs (NM_001322010.2); c.1608del, p.Arg536fs (NM_001322011.2, NM_001322012.2); c.1968del, p.Arg656fs (NM_001322013.2); and 26 more; short protein forms R660fs, R741fs, R723fs, R744fs, R795fs, R858fs, R656fs, R847fs.
Identifiers: ClinVar variation 2132442 (VCV002132442.4), dbSNP rs2535182876, ClinGen allele CA2580076755.
Genomic context (GRCh38, chr7:5,973,446, plus strand): 5'-ACAGTGACTACGGTCAGTTCTGAGAAATGACACCCAGGTTGGCGATGTGTCTCATGGTTG[GC>G]CTTCCATGGGGACAGTTCCAGGGGTGGTCCATCTCCCCCATGTGGGTGATCAGTTTCTTC-3'

ClinVar aggregate classification (germline): Uncertain significance (1 of 4 stars; one submission).

Conditions:
Hereditary nonpolyposis colorectal neoplasms. Identifiers: MedGen C0009405, MeSH D003123.

Submission:

Labcorp Genetics (formerly Invitae), Labcorp
Classification: Uncertain significance for Hereditary nonpolyposis colorectal neoplasms. Last evaluated: 2022-05-19. Review status: criteria provided, single submitter. Criteria: Invitae Variant Classification Sherloc (09022015). Collection method: clinical testing. Allele origin: germline.
Comment: In summary, the available evidence is currently insufficient to determine the role of this variant in disease. Therefore, it has been classified as a Variant of Uncertain Significance. This variant has not been reported in the literature in individuals affected with PMS2-related conditions. The frequency data for this variant in the population databases (gnomAD) is considered unreliable due to the presence of homologous sequence, such as pseudogenes or paralogs, in the genome. This sequence change creates a premature translational stop signal (p.Arg847Serfs*4) in the PMS2 gene. While this is not anticipated to result in nonsense mediated decay, it is expected to disrupt the last 16 amino acid(s) of the PMS2 protein.